The following is an entry in ClinVar:

ClinVar aggregate classification (germline): Uncertain significance (1 of 4 stars; one submission).

gnomAD v4.1: 2 of 1,609,440 alleles (0.00012%); highest among the groups gnomAD compares: East Asian, 0.0022%; no homozygotes.

Submission:

Labcorp Genetics (formerly Invitae), Labcorp
Classification: Uncertain significance. Last evaluated: 2025-10-24. Review status: criteria provided, single submitter. Criteria: Invitae Variant Classification Sherloc (09022015). Collection method: clinical testing. Allele origin: germline.
Comment: This sequence change replaces glycine, which is neutral and non-polar, with glutamic acid, which is acidic and polar, at codon 483 of the POC5 protein (p.Gly483Glu). This variant is not present in population databases (gnomAD no frequency). This variant has not been reported in the literature in individuals affected with POC5-related conditions. An algorithm developed to predict the effect of missense changes on protein structure and function (PolyPhen-2) suggests that this variant is likely to be disruptive. In summary, the available evidence is currently insufficient to determine the role of this variant in disease. Therefore, it has been classified as a Variant of Uncertain Significance.

NM_001099271.2(POC5):c.1448G>A (p.Gly483Glu)

Gene: POC5 (POC5 centriolar protein; minus strand). Cytogenetic location: 5q13.3.
Variant type: single nucleotide variant.
Coding change: c.1448G>A on transcript NM_001099271.2 (MANE Select); coding-DNA position 1448, G replaced by A.
Protein change: p.Gly483Glu; replaces glycine 483 with glutamic acid.
Molecular consequence: missense variant.
Genome position (GRCh38, 1-based): chr5:75,677,910, C>T on the plus strand (G>A on the coding strand, the complement: POC5 is on the minus strand). VCF-style: chr5-75677910-C-T. GRCh37 (hg19) VCF-style: chr5-74973735-C-T.
Other names: c.1373G>A, p.Gly458Glu (NM_152408.3); short protein forms G483E, G458E.
Identifiers: ClinVar variation 4729787 (VCV004729787.1).